The following is an entry in ClinVar:

NM_001374828.1(ARID1B):c.2753G>T (p.Gly918Val)

Gene: ARID1B (AT-rich interaction domain 1B; plus strand). Cytogenetic location: 6q25.3.
Variant type: single nucleotide variant.
Coding change: c.2753G>T on transcript NM_001374828.1 (MANE Select); coding-DNA position 2753, G replaced by T.
Protein change: p.Gly918Val; replaces glycine 918 with valine.
Molecular consequence: missense variant.
Genome position (GRCh38, 1-based): chr6:157,133,199, G>T. VCF-style: chr6-157133199-G-T. GRCh37 (hg19) VCF-style: chr6-157454333-G-T.
Other names: c.254G>T, p.Gly85Val (NM_001363725.2); c.2792G>T, p.Gly931Val (NM_001371656.1, NM_001374820.1); c.2753G>T, p.Gly918Val (NM_017519.3); c.2543G>T (NM_020732.3); short protein forms G85V, G918V, G931V.
Identifiers: ClinVar variation 3392586 (VCV003392586.1).
Genomic context (GRCh38, chr6:157,133,199, plus strand): 5'-TCAGTAGCTTTCAGCAGAGTAACTCAAGTGGGACTTACGGTCCACAGATGAGCCAGTATG[G>T]ACCACAAGGTAAAACCAAAGCTTCTCCAAAATGCATGGCAGCAAGTTGTAGAAATTTTCT-3'
Protein context (NP_001361757.1, residues 908-928): GTYGPQMSQY[Gly918Val]PQGNYSRPPA

ClinVar aggregate classification (germline): Uncertain significance (1 of 4 stars; one submission).

gnomAD v4.1: 3 of 1,600,916 alleles (0.00019%); highest among the groups gnomAD compares: African/African-American, 0.0027%; no homozygotes.

Submission:

GeneDx
Classification: Uncertain significance. Last evaluated: 2024-06-28. Review status: criteria provided, single submitter. Criteria: GeneDx Variant Classification Process June 2021. Collection method: clinical testing. Allele origin: germline. Affected: yes.
Comment: In silico analysis supports that this missense variant has a deleterious effect on protein structure/function; This variant is associated with the following publications: (PMID: 28191889)